The following is an entry in ClinVar:

ClinVar aggregate classification (germline): Uncertain significance. Review status: criteria provided, multiple submitters, no conflicts (2 of 4 stars). 2 submissions from 2 submitters: Uncertain significance (2). Last evaluated 2024-03-25.

Submissions (2):

GeneDx
Classification: Uncertain significance. Last evaluated: 2024-03-25. Review status: criteria provided, single submitter. Criteria: GeneDx Variant Classification Process June 2021. Collection method: clinical testing. Allele origin: germline. Affected: yes.
Comment: Not observed at significant frequency in large population cohorts (gnomAD); In silico analysis supports that this missense variant does not alter protein structure/function; Has not been previously published as pathogenic or benign to our knowledge

Women's Health and Genetics/Laboratory Corporation of America, LabCorp
Classification: Uncertain significance. Last evaluated: 2024-02-27. Review status: criteria provided, single submitter. Criteria: LabCorp Variant Classification Summary - May 2015. Collection method: clinical testing. Allele origin: germline.
Comment: Variant summary: USP9X c.1975A>G (p.Asn659Asp) results in a conservative amino acid change in the encoded protein sequence. Three of five in-silico tools predict a benign effect of the variant on protein function. The variant was absent in 1091980 control chromosomes (gnomAD). The available data on variant occurrences in the general population are insufficient to allow any conclusion about variant significance. To our knowledge, no occurrence of c.1975A>G in individuals affected with Mental Retardation, X-Linked 99 and no experimental evidence demonstrating its impact on protein function have been reported. No submitters have cited clinical-significance assessments for this variant to ClinVar. Based on the evidence outlined above, the variant was classified as uncertain significance.

NM_001039591.3(USP9X):c.1975A>G (p.Asn659Asp)

Gene: USP9X (ubiquitin specific peptidase 9 X-linked; plus strand). Cytogenetic location: Xp11.4.
Variant type: single nucleotide variant.
Coding change: c.1975A>G on transcript NM_001039591.3 (MANE Select); coding-DNA position 1975, A replaced by G.
Protein change: p.Asn659Asp; replaces asparagine 659 with aspartic acid.
Molecular consequence: missense variant.
Genome position (GRCh38, 1-based): chrX:41,162,867, A>G. VCF-style: chrX-41162867-A-G. GRCh37 (hg19) VCF-style: chrX-41022120-A-G.
Other names: c.1975A>G, p.Asn659Asp (NM_001039590.3); c.1990A>G, p.Asn664Asp (NM_001410748.1, NM_001410749.1); c.1975A>G (NM_001039590.2); short protein forms N659D, N664D.
Identifiers: ClinVar variation 3068921 (VCV003068921.3), dbSNP rs2519204606, ClinGen allele CA412750926.